The following is an entry in ClinVar:

ClinVar aggregate classification (germline): Likely benign. Review status: criteria provided, multiple submitters, no conflicts (2 of 4 stars). 3 submissions from 3 submitters: Likely benign (2). 1 of the submissions does not count toward it. Last evaluated 2025-11-06.

Conditions:
MAG-related disorder. Also called: MAG-related condition.
Hereditary spastic paraplegia 75. Also called: Spastic paraplegia 75, autosomal recessive. Identifiers: Orphanet 459056, MedGen C4225250, MONDO:0014729, OMIM 616680.

Allele frequency attached by ClinVar (database versions not stated): 1000 Genomes Project 30x 0.00031; gnomAD 0.00048 and 0.00046; ESP Exome Variant Server 0.00069; 1000 Genomes Project 0.00040; TOPMed 0.00057.
gnomAD v4.1: 122 of 1,576,470 alleles (0.0077%); highest among the groups gnomAD compares: African/African-American, 0.14%; no homozygotes.

Submissions (3):

Labcorp Genetics (formerly Invitae), Labcorp
Classification: Likely benign for Hereditary spastic paraplegia 75. Last evaluated: 2025-11-06. Review status: criteria provided, single submitter. Criteria: Invitae Variant Classification Sherloc (09022015). Collection method: clinical testing. Allele origin: germline.

Women's Health and Genetics/Laboratory Corporation of America, LabCorp
Classification: Likely benign. Last evaluated: 2024-06-20. Review status: criteria provided, single submitter. Criteria: LabCorp Variant Classification Summary - May 2015. Collection method: clinical testing. Allele origin: germline.

PreventionGenetics, part of Exact Sciences
Classification: Likely benign for MAG-related condition. Last evaluated: 2020-02-14. Review status: no assertion criteria provided. Collection method: clinical testing. Allele origin: germline. Not counted in ClinVar's aggregate classification.
Comment: This variant is classified as likely benign based on ACMG/AMP sequence variant interpretation guidelines (Richards et al. 2015 PMID: 25741868, with internal and published modifications).

NM_002361.4(MAG):c.771G>A (p.Val257=)

Gene: MAG (myelin associated glycoprotein; plus strand). Cytogenetic location: 19q13.12.
Variant type: single nucleotide variant.
Coding change: c.771G>A on transcript NM_002361.4 (MANE Select); coding-DNA position 771, G replaced by A.
Protein change: p.Val257=; no amino-acid change (valine 257 retained).
Molecular consequence: synonymous variant.
Genome position (GRCh38, 1-based): chr19:35,300,205, G>A. VCF-style: chr19-35300205-G-A. GRCh37 (hg19) VCF-style: chr19-35791108-G-A.
Other names: c.696G>A, p.Val232= (NM_001199216.2); c.771G>A, p.Val257= (NM_080600.3).
Identifiers: ClinVar variation 707299 (VCV000707299.14), dbSNP rs143350237, ClinGen allele CA9376095.
Genomic context (GRCh38, chr19:35,300,205, plus strand): 5'-AGACCCCCCGGTGATTGTGGAGATGAACTCCTCGGTGGAGGCCATCGAGGGCTCCCACGT[G>A]AGCCTGCTCTGTGGGGCTGACAGCAACCCCCCGCCGCTGCTGACCTGGATGCGGGACGGG-3'
Protein context (NP_002352.1, residues 247-267): SSVEAIEGSH[Val257=]SLLCGADSNP